The following is an entry in ClinVar:

NM_014365.3(HSPB8):c.208C>T (p.Pro70Ser)

Gene: HSPB8 (heat shock protein family B (small) member 8; plus strand). Cytogenetic location: 12q24.23.
Variant type: single nucleotide variant.
Coding change: c.208C>T on transcript NM_014365.3 (MANE Select); coding-DNA position 208, C replaced by T.
Protein change: p.Pro70Ser; replaces proline 70 with serine.
Molecular consequence: missense variant.
Genome position (GRCh38, 1-based): chr12:119,179,520, C>T. VCF-style: chr12-119179520-C-T. GRCh37 (hg19) VCF-style: chr12-119617325-C-T.
Other names: short protein forms P70S.
Identifiers: ClinVar variation 585123 (VCV000585123.15), dbSNP rs924785682, ClinGen allele CA244334824.

ClinVar aggregate classification (germline): Uncertain significance. Review status: criteria provided, multiple submitters, no conflicts (2 of 4 stars). 2 submissions from 2 submitters: Uncertain significance (2). Last evaluated 2021-07-20.

Conditions:
Inborn genetic diseases. Identifiers: MedGen C0950123, MeSH D030342.
Charcot-Marie-Tooth disease axonal type 2L. Also called: Charcot-Marie-Tooth Neuropathy Type 2L; CHARCOT-MARIE-TOOTH DISEASE, AXONAL, AUTOSOMAL DOMINANT, TYPE 2L; CHARCOT-MARIE-TOOTH NEUROPATHY, AXONAL, TYPE 2L. Identifiers: Orphanet 99945, MedGen C1837552, MONDO:0012096, OMIM 608673.

Allele frequency attached by ClinVar (database versions not stated): gnomAD 0.00001.

Submissions (2):

Ambry Genetics
Classification: Uncertain significance for Inborn genetic diseases. Last evaluated: 2021-07-20. Review status: criteria provided, single submitter. Criteria: Ambry Variant Classification Scheme 2023. Collection method: clinical testing. Allele origin: germline.
Comment: The p.P70S variant (also known as c.208C>T), located in coding exon 1 of the HSPB8 gene, results from a C to T substitution at nucleotide position 208. The proline at codon 70 is replaced by serine, an amino acid with similar properties. This amino acid position is well conserved in available vertebrate species. In addition, this alteration is predicted to be tolerated by in silico analysis. Since supporting evidence is limited at this time, the clinical significance of this alteration remains unclear.

Labcorp Genetics (formerly Invitae), Labcorp
Classification: Uncertain significance for Charcot-Marie-Tooth disease axonal type 2L. Last evaluated: 2021-07-08. Review status: criteria provided, single submitter. Criteria: Invitae Variant Classification Sherloc (09022015). Collection method: clinical testing. Allele origin: germline.
Comment: This sequence change replaces proline with serine at codon 70 of the HSPB8 protein (p.Pro70Ser). The proline residue is moderately conserved and there is a moderate physicochemical difference between proline and serine. This variant is not present in population databases (ExAC no frequency). This variant has not been reported in the literature in individuals with HSPB8-related conditions. ClinVar contains an entry for this variant (Variation ID: 585123). Algorithms developed to predict the effect of missense changes on protein structure and function (SIFT, PolyPhen-2, Align-GVGD) all suggest that this variant is likely to be tolerated, but these predictions have not been confirmed by published functional studies and their clinical significance is uncertain. In summary, the available evidence is currently insufficient to determine the role of this variant in disease. Therefore, it has been classified as a Variant of Uncertain Significance.